The following is an entry in ClinVar:

NM_000417.3(IL2RA):c.693G>C (p.Glu231Asp)

Gene: IL2RA (interleukin 2 receptor subunit alpha; minus strand). Cytogenetic location: 10p15.1.
Variant type: single nucleotide variant.
Coding change: c.693G>C on transcript NM_000417.3 (MANE Select); coding-DNA position 693, G replaced by C.
Protein change: p.Glu231Asp; replaces glutamic acid 231 with aspartic acid.
Molecular consequence: missense variant.
Genome position (GRCh38, 1-based): chr10:6,019,462, C>G on the plus strand (G>C on the coding strand, the complement: IL2RA is on the minus strand). VCF-style: chr10-6019462-C-G. GRCh37 (hg19) VCF-style: chr10-6061425-C-G.
Other names: c.477G>C, p.Glu159Asp (NM_001308242.2); c.405G>C, p.Glu135Asp (NM_001308243.2); short protein forms E135D, E231D, E159D.
Identifiers: ClinVar variation 877588 (VCV000877588.11), dbSNP rs139266750, ClinGen allele CA375925070.

ClinVar aggregate classification (germline): Uncertain significance. Review status: criteria provided, multiple submitters, no conflicts (2 of 4 stars). 2 submissions from 2 submitters: Uncertain significance (2). Last evaluated 2021-01-04.

Conditions:
Immunodeficiency due to CD25 deficiency. Also called: CD25 DEFICIENCY; IL2RA DEFICIENCY; IMMUNODEFICIENCY 41 WITH LYMPHOPROLIFERATION AND AUTOIMMUNITY. Identifiers: Orphanet 169100, MedGen C1853392, MONDO:0011664, OMIM 606367.

gnomAD v4.1: 6 of 1,613,782 alleles (0.00037%); highest among the groups gnomAD compares: Non-Finnish European, 0.00042%; no homozygotes.

Submissions (2):

Labcorp Genetics (formerly Invitae), Labcorp
Classification: Uncertain significance for Immunodeficiency due to CD25 deficiency. Last evaluated: 2021-01-04. Review status: criteria provided, single submitter. Criteria: Invitae Variant Classification Sherloc (09022015). Collection method: clinical testing. Allele origin: germline.
Comment: Algorithms developed to predict the effect of missense changes on protein structure and function output the following: SIFT: "Tolerated"; PolyPhen-2: "Probably Damaging"; Align-GVGD: "Class C0". The aspartic acid amino acid residue is found in multiple mammalian species, suggesting that this missense change does not adversely affect protein function. These predictions have not been confirmed by published functional studies and their clinical significance is uncertain. This sequence change replaces glutamic acid with aspartic acid at codon 231 of the IL2RA protein (p.Glu231Asp). The glutamic acid residue is highly conserved and there is a small physicochemical difference between glutamic acid and aspartic acid. This variant is not present in population databases (ExAC no frequency). This variant has not been reported in the literature in individuals with IL2RA-related conditions. ClinVar contains an entry for this variant (Variation ID: 877588). In summary, the available evidence is currently insufficient to determine the role of this variant in disease. Therefore, it has been classified as a Variant of Uncertain Significance.

Illumina Laboratory Services, Illumina
Classification: Uncertain significance for Immunodeficiency due to CD25 deficiency. Last evaluated: 2017-04-28. Review status: criteria provided, single submitter. Criteria: ICSL Variant Classification Criteria 13 December 2019. Collection method: clinical testing. Allele origin: germline.